The following is an entry in ClinVar:

NM_012414.4(RAB3GAP2):c.2137T>G (p.Phe713Val)

Gene: RAB3GAP2 (RAB3 GTPase activating non-catalytic protein subunit 2; minus strand). Cytogenetic location: 1q41.
Variant type: single nucleotide variant.
Coding change: c.2137T>G on transcript NM_012414.4 (MANE Select); coding-DNA position 2137, T replaced by G.
Protein change: p.Phe713Val; replaces phenylalanine 713 with valine.
Molecular consequence: missense variant.
Genome position (GRCh38, 1-based): chr1:220,182,793, A>C on the plus strand (T>G on the coding strand, the complement: RAB3GAP2 is on the minus strand). VCF-style: chr1-220182793-A-C. GRCh37 (hg19) VCF-style: chr1-220356135-A-C.
Other names: short protein forms F713V.
Identifiers: ClinVar variation 1189867 (VCV001189867.2), dbSNP rs1182001725, ClinGen allele CA344642478.
Genomic context (GRCh38, chr1:220,182,793, plus strand): 5'-CCTCTTCACTTATTTTCTTTATGTTGAGCACATCCTTTTCATATTCTAAATATTCCAAGA[A>C]TGTTTTTACAGGCAACACACCATCTTTATCATCAGAAAATCGAACATTTGTCCTGGTGTT-3'
Protein context (NP_036546.2, residues 703-723): DKDGVLPVKT[Phe713Val]LEYLEYEKDV

ClinVar aggregate classification (germline): Uncertain significance (1 of 4 stars; one submission).

Allele frequency attached by ClinVar (database versions not stated): gnomAD 0.00001; TOPMed below 0.00001; gnomAD exomes 0.00001.
gnomAD v4.1: 8 of 1,613,126 alleles (0.0005%); highest among the groups gnomAD compares: Non-Finnish European, 0.00068%; no homozygotes.

Submission:

GeneDx
Classification: Uncertain significance. Last evaluated: 2020-07-08. Review status: criteria provided, single submitter. Criteria: GeneDx Variant Classification Process June 2021. Collection method: clinical testing. Allele origin: germline. Affected: yes.
Comment: Not observed at a significant frequency in large population cohorts (Lek et al., 2016); In silico analysis supports that this missense variant has a deleterious effect on protein structure/function; Has not been previously published as pathogenic or benign to our knowledge